The following is an entry in ClinVar:

NM_005592.4(MUSK):c.461G>A (p.Trp154Ter)

Gene: MUSK (muscle associated receptor tyrosine kinase; plus strand). Cytogenetic location: 9q31.3.
Variant type: single nucleotide variant.
Coding change: c.461G>A on transcript NM_005592.4 (MANE Select); coding-DNA position 461, G replaced by A.
Protein change: p.Trp154Ter; replaces tryptophan 154 with a stop codon.
Molecular consequence: nonsense.
Genome position (GRCh38, 1-based): chr9:110,695,505, G>A. VCF-style: chr9-110695505-G-A. GRCh37 (hg19) VCF-style: chr9-113457785-G-A.
Other names: c.461G>A, p.Trp154Ter (NM_001166280.2, NM_001166281.2); short protein forms W154*.
Identifiers: ClinVar variation 2932520 (VCV002932520.3), dbSNP rs866186589, ClinGen allele CA198339781.

ClinVar aggregate classification (germline): Pathogenic (1 of 4 stars; one submission).

Conditions:
Fetal akinesia deformation sequence 1 (FADS1). Also called: Pena-Shokeir syndrome type I; Fetal akinesia sequence. Identifiers: Orphanet 994, MedGen C1276035, MONDO:0100101, OMIM 208150, HP:0001989.
Congenital myasthenic syndrome 9. Also called: Myasthenic syndrome, congenital, 9, associated with acetylcholine receptor deficiency. Identifiers: Orphanet 590, MedGen C4225368, MONDO:0014587, OMIM 616325.

Allele frequency attached by ClinVar (database versions not stated): gnomAD exomes below 0.00001.
gnomAD v4.1: 2 of 1,565,892 alleles (0.00013%); highest among the groups gnomAD compares: Non-Finnish European, 0.00017%; no homozygotes.

Submission:

Labcorp Genetics (formerly Invitae), Labcorp
Classification: Pathogenic for Congenital myasthenic syndrome 9; Fetal akinesia deformation sequence 1. Last evaluated: 2023-06-15. Review status: criteria provided, single submitter. Criteria: Invitae Variant Classification Sherloc (09022015). Collection method: clinical testing. Allele origin: germline.
Comment: This sequence change creates a premature translational stop signal (p.Trp154*) in the MUSK gene. It is expected to result in an absent or disrupted protein product. Loss-of-function variants in MUSK are known to be pathogenic (PMID: 8653786, 25612909, 25695962, 25900532). This variant is not present in population databases (gnomAD no frequency). This variant has not been reported in the literature in individuals affected with MUSK-related conditions. For these reasons, this variant has been classified as Pathogenic.

Literature cited by the submitters: PubMed 8653786; PubMed 25612909; PubMed 25695962; PubMed 25900532.